The following is an entry in ClinVar:

NM_005982.4(SIX1):c.225C>G (p.Phe75Leu)

Gene: SIX1 (SIX homeobox 1; minus strand). Cytogenetic location: 14q23.1.
Variant type: single nucleotide variant.
Coding change: c.225C>G on transcript NM_005982.4 (MANE Select); coding-DNA position 225, C replaced by G.
Protein change: p.Phe75Leu; replaces phenylalanine 75 with leucine.
Molecular consequence: missense variant.
Genome position (GRCh38, 1-based): chr14:60,648,965, G>C on the plus strand (C>G on the coding strand, the complement: SIX1 is on the minus strand). VCF-style: chr14-60648965-G-C. GRCh37 (hg19) VCF-style: chr14-61115683-G-C.
Other names: short protein forms F75L.
Identifiers: ClinVar variation 2575752 (VCV002575752.1), dbSNP rs1291757623, ClinGen allele CA389910764.

ClinVar aggregate classification (germline): Uncertain significance (1 of 4 stars; one submission).

Submission:

GeneDx
Classification: Uncertain significance. Last evaluated: 2023-02-13. Review status: criteria provided, single submitter. Criteria: GeneDx Variant Classification Process June 2021. Collection method: clinical testing. Allele origin: germline. Affected: yes.
Comment: Not observed at significant frequency in large population cohorts (gnomAD); In silico analysis supports that this missense variant has a deleterious effect on protein structure/function; Has not been previously published as pathogenic or benign to our knowledge